The following is an entry in ClinVar:

NM_000539.3(RHO):c.380C>A (p.Ser127Tyr)

Gene: RHO (rhodopsin; plus strand). Cytogenetic location: 3q22.1.
Variant type: single nucleotide variant.
Coding change: c.380C>A on transcript NM_000539.3 (MANE Select); coding-DNA position 380, C replaced by A.
Protein change: p.Ser127Tyr; replaces serine 127 with tyrosine.
Molecular consequence: missense variant.
Genome position (GRCh38, 1-based): chr3:129,530,894, C>A. VCF-style: chr3-129530894-C-A. GRCh37 (hg19) VCF-style: chr3-129249737-C-A.
Other names: short protein forms S127Y.
Identifiers: ClinVar variation 2819750 (VCV002819750.3), dbSNP rs2108749921, ClinGen allele CA354497935.

ClinVar aggregate classification (germline): Uncertain significance (1 of 4 stars; one submission).

Submission:

Labcorp Genetics (formerly Invitae), Labcorp
Classification: Uncertain significance. Last evaluated: 2022-12-09. Review status: criteria provided, single submitter. Criteria: Invitae Variant Classification Sherloc (09022015). Collection method: clinical testing. Allele origin: germline.
Comment: This sequence change replaces serine, which is neutral and polar, with tyrosine, which is neutral and polar, at codon 127 of the RHO protein (p.Ser127Tyr). In summary, the available evidence is currently insufficient to determine the role of this variant in disease. Therefore, it has been classified as a Variant of Uncertain Significance. This variant disrupts the p.Ser127 amino acid residue in RHO. Other variant(s) that disrupt this residue have been determined to be pathogenic (PMID: 7987331; Invitae). This suggests that this residue is clinically significant, and that variants that disrupt this residue are likely to be disease-causing. Advanced modeling of protein sequence and biophysical properties (such as structural, functional, and spatial information, amino acid conservation, physicochemical variation, residue mobility, and thermodynamic stability) performed at Invitae indicates that this missense variant is expected to disrupt RHO protein function. This variant has not been reported in the literature in individuals affected with RHO-related conditions. This variant is not present in population databases (gnomAD no frequency).

Literature cited by the submitters: PubMed 7987331.